The following is an entry in ClinVar:

ClinVar aggregate classification (germline): Conflicting classifications of pathogenicity. Review status: criteria provided, conflicting classifications (1 of 4 stars). 4 submissions from 4 submitters: Uncertain significance (3); Likely benign (1). Last evaluated 2025-02-16.

Conditions:
Emery-Dreifuss muscular dystrophy 5, autosomal dominant (EDMD5). Also called: EMERY-DREIFUSS MUSCULAR DYSTROPHY 5. Identifiers: Orphanet 261, MedGen C2751805, MONDO:0013072, OMIM 612999.

Allele frequency attached by ClinVar (database versions not stated): TOPMed 0.00002.
gnomAD v4.1: 33 of 1,612,920 alleles (0.002%); highest among the groups gnomAD compares: Non-Finnish European, 0.0028%; no homozygotes.

Submissions (4):

Laboratory of Genetics, Children's Clinical University Hospital Latvia
Classification: Likely benign. Last evaluated: 2025-02-16. Review status: criteria provided, single submitter. Criteria: ACMG Guidelines, 2015. Collection method: clinical testing. Allele origin: germline. Affected: yes.

Labcorp Genetics (formerly Invitae), Labcorp
Classification: Uncertain significance for Emery-Dreifuss muscular dystrophy 5, autosomal dominant. Last evaluated: 2024-03-01. Review status: criteria provided, single submitter. Criteria: Invitae Variant Classification Sherloc (09022015). Collection method: clinical testing. Allele origin: germline.
Comment: This sequence change replaces glutamic acid, which is acidic and polar, with valine, which is neutral and non-polar, at codon 6879 of the SYNE2 protein (p.Glu6879Val). This variant is present in population databases (rs757149542, gnomAD 0.004%). This variant has not been reported in the literature in individuals affected with SYNE2-related conditions. ClinVar contains an entry for this variant (Variation ID: 623846). An algorithm developed to predict the effect of missense changes on protein structure and function (PolyPhen-2) suggests that this variant¬†is likely to be tolerated. In summary, the available evidence is currently insufficient to determine the role of this variant in disease. Therefore, it has been classified as a Variant of Uncertain Significance.

Ambry Genetics
Classification: Uncertain significance. Last evaluated: 2021-09-16. Review status: criteria provided, single submitter. Criteria: Ambry Variant Classification Scheme 2023. Collection method: clinical testing. Allele origin: germline.

CeGaT Center for Human Genetics Tuebingen
Classification: Uncertain significance. Last evaluated: 2018-09-30. Review status: criteria provided, single submitter. Criteria: Praxis fuer Humangenetik Tuebingen - Variant Classification Criteria. Collection method: clinical testing. Allele origin: germline. Affected: yes. Observed: 1 variant allele.

NM_182914.3(SYNE2):c.20636A>T (p.Glu6879Val)

Gene: SYNE2 (spectrin repeat containing nuclear envelope protein 2; plus strand). Cytogenetic location: 14q23.2.
Variant type: single nucleotide variant.
Coding change: c.20636A>T on transcript NM_182914.3 (MANE Select); coding-DNA position 20636, A replaced by T.
Protein change: p.Glu6879Val; replaces glutamic acid 6879 with valine.
Molecular consequence: missense variant.
Genome position (GRCh38, 1-based): chr14:64,225,438, A>T. VCF-style: chr14-64225438-A-T. GRCh37 (hg19) VCF-style: chr14-64692156-A-T.
Other names: c.20570A>T, p.Glu6857Val (NM_015180.6); c.1202A>T, p.Glu401Val (NM_182910.2); c.1583A>T, p.Glu528Val (NM_182913.4); c.20636A>T (NM_182914.2); short protein forms E6879V, E6857V, E401V, E528V.
Identifiers: ClinVar variation 623846 (VCV000623846.11), dbSNP rs757149542, ClinGen allele CA7224984.